The following is an entry in ClinVar:

ClinVar aggregate classification (germline): Uncertain significance (1 of 4 stars; one submission).

Conditions:
Autoimmune lymphoproliferative syndrome type 2A (ALPS2A). Also called: CASP10-Related Autoimmune Lymphoproliferative Syndrome; AUTOIMMUNE LYMPHOPROLIFERATIVE SYNDROME, TYPE IIA; Autoimmune lymphoproliferative syndrome type 2. Identifiers: Orphanet 3261, MedGen C1858968, MONDO:0011383, OMIM 603909.

Submission:

Labcorp Genetics (formerly Invitae), Labcorp
Classification: Uncertain significance for Autoimmune lymphoproliferative syndrome type 2A. Last evaluated: 2025-11-02. Review status: criteria provided, single submitter. Criteria: Invitae Variant Classification Sherloc (09022015). Collection method: clinical testing. Allele origin: germline.
Comment: This sequence change replaces glycine, which is neutral and non-polar, with alanine, which is neutral and non-polar, at codon 302 of the CASP10 protein (p.Gly302Ala). This variant is not present in population databases (gnomAD no frequency). This variant has not been reported in the literature in individuals affected with CASP10-related conditions. Invitae Evidence Modeling of protein sequence and biophysical properties (such as structural, functional, and spatial information, amino acid conservation, physicochemical variation, residue mobility, and thermodynamic stability) has been performed for this missense variant. However, the output from this modeling did not meet the statistical confidence thresholds required to predict the impact of this variant on CASP10 protein function. In summary, the available evidence is currently insufficient to determine the role of this variant in disease. Therefore, it has been classified as a Variant of Uncertain Significance.

NM_032977.4(CASP10):c.905G>C (p.Gly302Ala)

Gene: CASP10 (caspase 10; plus strand). Cytogenetic location: 2q33.1.
Variant type: single nucleotide variant.
Coding change: c.905G>C on transcript NM_032977.4 (MANE Select); coding-DNA position 905, G replaced by C.
Protein change: p.Gly302Ala; replaces glycine 302 with alanine.
Molecular consequence: missense variant. On other transcripts: intron variant (1).
Genome position (GRCh38, 1-based): chr2:201,208,166, G>C. VCF-style: chr2-201208166-G-C. GRCh37 (hg19) VCF-style: chr2-202072889-G-C.
Other names: c.776G>C, p.Gly259Ala (NM_001206542.2, NM_001230.5); c.905G>C, p.Gly302Ala (NM_032974.5); c.813G>C, p.Arg271Ser (NM_032976.4); c.722-904G>C (NM_001206524.2); short protein forms G302A, R271S, G259A.
Identifiers: ClinVar variation 4783255 (VCV004783255.1).